The following is an entry in ClinVar:

NM_000501.4(ELN):c.913G>A (p.Ala305Thr)

Gene: ELN (elastin; plus strand). Cytogenetic location: 7q11.23.
Variant type: single nucleotide variant.
Coding change: c.913G>A on transcript NM_000501.4 (MANE Select); coding-DNA position 913, G replaced by A.
Protein change: p.Ala305Thr; replaces alanine 305 with threonine.
Molecular consequence: missense variant.
Genome position (GRCh38, 1-based): chr7:74,051,947, G>A. VCF-style: chr7-74051947-G-A. GRCh37 (hg19) VCF-style: chr7-73466277-G-A.
Other names: c.883G>A, p.Ala295Thr (NM_001081752.3, NM_001278917.2); c.928G>A, p.Ala310Thr (NM_001081753.3, NM_001081754.3); c.913G>A, p.Ala305Thr (NM_001081755.3, NM_001278912.2, NM_001278915.2 and 1 more transcripts); c.805G>A, p.Ala269Thr (NM_001278913.2); c.898G>A, p.Ala300Thr (NM_001278914.2); c.871G>A, p.Ala291Thr (NM_001278916.2); c.781G>A, p.Ala261Thr (NM_001278918.2); short protein forms A305T, A261T, A269T, A295T, A310T, A291T, A300T.
Identifiers: ClinVar variation 411839 (VCV000411839.8), dbSNP rs1060503513, ClinGen allele CA16612409.
Genomic context (GRCh38, chr7:74,051,947, plus strand): 5'-AGGGCAAGGACCTCACCCTCTGTGGCTGTGTTTTCAGGCGTTGGGACTCCAGCTGCAGCT[G>A]CAGCTGCAGCAGCAGCCGCTAAGGCAGCCAAGTATGGTGAGTGCCTCCCGGGGTGGCAAG-3'
Protein context (NP_000492.2, residues 295-315): IAGVGTPAAA[Ala305Thr]AAAAAAKAAK

ClinVar aggregate classification (germline): Uncertain significance (1 of 4 stars; one submission).

Conditions:
Supravalvar aortic stenosis (SVAS). Also called: Supravalvar aortic stenosis, Eisenberg type. Identifiers: Orphanet 3193, MedGen C0003499, MONDO:0008504, OMIM 185500, HP:0004381.

Allele frequency attached by ClinVar (database versions not stated): gnomAD exomes below 0.00001.
gnomAD v4.1: 2 of 1,612,586 alleles (0.00012%); highest among the groups gnomAD compares: South Asian, 0.0011%; no homozygotes.

Submission:

Labcorp Genetics (formerly Invitae), Labcorp
Classification: Uncertain significance for Supravalvar aortic stenosis. Last evaluated: 2016-05-07. Review status: criteria provided, single submitter. Criteria: Invitae Variant Classification Sherloc (09022015). Collection method: clinical testing. Allele origin: germline.
Comment: This sequence change replaces alanine with threonine at codon 305 of the ELN protein (p.Ala305Thr). The alanine residue is moderately conserved and there is a small physicochemical difference between alanine and threonine. This variant is not present in population databases (ExAC no frequency) and has not been reported in the literature in individuals with an ELN-related disease. Algorithms developed to predict the effect of missense changes on protein structure and function do not agree on the potential impact of this missense change (SIFT: "Tolerated"; PolyPhen-2: "Probably damaging"; Align-GVGD: "Class C0"). In summary, this variant is a novel missense change with uncertain impact on protein function. It has been classified as a Variant of Uncertain Significance.